The following is an entry in ClinVar:

NM_020937.4(FANCM):c.866T>C (p.Leu289Pro)

Gene: FANCM (FA complementation group M; plus strand). Cytogenetic location: 14q21.2.
Variant type: single nucleotide variant.
Coding change: c.866T>C on transcript NM_020937.4 (MANE Select); coding-DNA position 866, T replaced by C.
Protein change: p.Leu289Pro; replaces leucine 289 with proline.
Molecular consequence: missense variant.
Genome position (GRCh38, 1-based): chr14:45,148,943, T>C. VCF-style: chr14-45148943-T-C. GRCh37 (hg19) VCF-style: chr14-45618146-T-C.
Other names: c.788T>C, p.Leu263Pro (NM_001308133.2); c.866T>C, p.Leu289Pro (NM_001308134.2); short protein forms L263P, L289P.
Identifiers: ClinVar variation 655398 (VCV000655398.8), dbSNP rs1594766838, ClinGen allele CA389590092.
Genomic context (GRCh38, chr14:45,148,943, plus strand): 5'-TTCGTTCTGAAGATTCTCCAGATATTTTGACATATTCTCATGAAAGAAAAGTTGAAAAGC[T>C]TATTGTTCCGCTTGGTGAAGAACTTGCAGCCATCCAAAAGACCTATATCCAGGTAAACCA-3'
Protein context (NP_065988.1, residues 279-299): TYSHERKVEK[Leu289Pro]IVPLGEELAA

ClinVar aggregate classification (germline): Uncertain significance (1 of 4 stars; one submission).

Conditions:
Fanconi anemia (FA). Also called: Fanconi's anemia. Identifiers: Orphanet 84, MedGen C0015625, MeSH D005199, MONDO:0019391.

Submission:

Labcorp Genetics (formerly Invitae), Labcorp
Classification: Uncertain significance for Fanconi anemia. Last evaluated: 2018-12-13. Review status: criteria provided, single submitter. Criteria: Invitae Variant Classification Sherloc (09022015). Collection method: clinical testing. Allele origin: germline.
Comment: This sequence change replaces leucine with proline at codon 289 of the FANCM protein (p.Leu289Pro). The leucine residue is weakly conserved and there is a moderate physicochemical difference between leucine and proline. This variant is not present in population databases (ExAC no frequency). This variant has not been reported in the literature in individuals with FANCM-related conditions. Algorithms developed to predict the effect of missense changes on protein structure and function are either unavailable or do not agree on the potential impact of this missense change (SIFT: "Deleterious"; PolyPhen-2: "Benign"; Align-GVGD: "Class C0"). In summary, the available evidence is currently insufficient to determine the role of this variant in disease. Therefore, it has been classified as a Variant of Uncertain Significance.